The following is an entry in ClinVar:

NM_001128840.3(CACNA1D):c.6444G>A (p.Glu2148=)

Gene: CACNA1D (calcium voltage-gated channel subunit alpha1 D; plus strand). Cytogenetic location: 3p21.1.
Variant type: single nucleotide variant.
Coding change: c.6444G>A on transcript NM_001128840.3 (MANE Select); coding-DNA position 6444, G replaced by A.
Protein change: p.Glu2148=; no amino-acid change (glutamic acid 2148 retained).
Molecular consequence: synonymous variant.
Genome position (GRCh38, 1-based): chr3:53,811,364, G>A. VCF-style: chr3-53811364-G-A. GRCh37 (hg19) VCF-style: chr3-53845391-G-A.
Other names: c.6504G>A, p.Glu2168= (NM_000720.4); c.6372G>A, p.Glu2124= (NM_001128839.3).
Identifiers: ClinVar variation 667078 (VCV000667078.22), dbSNP rs373851693, ClinGen allele CA2455451.
Genomic context (GRCh38, chr3:53,811,364, plus strand): 5'-TGAGCTACAGGACTTTGGTCCTGGCTACAGCGACGAAGAGCCAGACCCTGGGAGGGATGA[G>A]GAGGACCTGGCGGATGAAATGATATGCATCACCACCTTGTAGCCCCCAGCGAGGGGCAGA-3'
Protein context (NP_001122312.1, residues 2138-2158): SDEEPDPGRD[Glu2148=]EDLADEMICI

ClinVar aggregate classification (germline): Benign/Likely benign. Review status: criteria provided, multiple submitters, no conflicts (2 of 4 stars). 8 submissions from 8 submitters: Benign (1); Likely benign (4). 3 of the submissions do not count toward it. Last evaluated 2026-01-15.

Conditions:
CACNA1D-related disorder.

Allele frequency attached by ClinVar (database versions not stated): gnomAD exomes 0.00007 and 0.00029; gnomAD 0.00014 and 0.00024; TOPMed 0.00017; ExAC 0.00026; 1000 Genomes Project 30x 0.00125; 1000 Genomes Project 0.00160.
gnomAD v4.1: 161 of 1,590,690 alleles (0.01%); highest among the groups gnomAD compares: East Asian, 0.19%; 1 homozygote.

Submissions (8):

Labcorp Genetics (formerly Invitae), Labcorp
Classification: Benign. Last evaluated: 2026-01-15. Review status: criteria provided, single submitter. Criteria: Invitae Variant Classification Sherloc (09022015). Collection method: clinical testing. Allele origin: germline.

Blueprint Genetics
Classification: Likely benign. Last evaluated: 2024-11-07. Review status: criteria provided, single submitter. Criteria: ACMG Guidelines, 2015. Collection method: clinical testing. Allele origin: germline.

Revvity Omics, Revvity
Classification: Likely benign. Last evaluated: 2023-10-20. Review status: criteria provided, single submitter. Criteria: ACMG Guidelines, 2015. Collection method: clinical testing. Allele origin: germline.

GeneDx
Classification: Likely benign. Last evaluated: 2021-04-06. Review status: criteria provided, single submitter. Criteria: GeneDx Variant Classification Process June 2021. Collection method: clinical testing. Allele origin: germline. Affected: yes.

Laboratory for Molecular Medicine, Mass General Brigham Personalized Medicine
Classification: Likely benign. Last evaluated: 2017-08-23. Review status: criteria provided, single submitter. Criteria: LMM Criteria. Collection method: clinical testing. Allele origin: germline. Observed: 1 variant allele.
Comment: p.Glu2168Glu in exon 49 of CACNA1D: This variant is not expected to have clinica l significance because it does not alter an amino acid residue and is not locate d within the splice consensus sequence. It has been identified in 0.27% (23/8488 ) of East Asian chromosomes by the Exome Aggregation Consortium (ExAC; dbSNP rs373851693).

PreventionGenetics, part of Exact Sciences
Classification: Likely benign for CACNA1D-related condition. Last evaluated: 2019-10-14. Review status: no assertion criteria provided. Collection method: clinical testing. Allele origin: germline. Not counted in ClinVar's aggregate classification.
Comment: This variant is classified as likely benign based on ACMG/AMP sequence variant interpretation guidelines (Richards et al. 2015 PMID: 25741868, with internal and published modifications).

Clinical Genetics DNA and cytogenetics Diagnostics Lab, Erasmus MC, Erasmus Medical Center
Classification: Likely benign. Review status: no assertion criteria provided. Collection method: clinical testing. Allele origin: germline. Affected: yes. Study: VKGL Data-share Consensus. Not counted in ClinVar's aggregate classification.

Clinical Genetics, Academic Medical Center
Classification: Benign. Review status: no assertion criteria provided. Collection method: clinical testing. Allele origin: germline. Affected: yes. Study: VKGL Data-share Consensus. Not counted in ClinVar's aggregate classification.